The following is an entry in ClinVar:

NM_000232.5(SGCB):c.799C>T (p.Arg267Cys)

Gene: SGCB (sarcoglycan beta; minus strand). Cytogenetic location: 4q12.
Variant type: single nucleotide variant.
Coding change: c.799C>T on transcript NM_000232.5 (MANE Select); coding-DNA position 799, C replaced by T.
Protein change: p.Arg267Cys; replaces arginine 267 with cysteine.
Molecular consequence: missense variant.
Genome position (GRCh38, 1-based): chr4:52,024,115, G>A on the plus strand (C>T on the coding strand, the complement: SGCB is on the minus strand). VCF-style: chr4-52024115-G-A. GRCh37 (hg19) VCF-style: chr4-52890281-G-A.
Other names: NM_000232.5(SGCB):c.799C>T; short protein forms R267C.
Identifiers: ClinVar variation 283043 (VCV000283043.45), dbSNP rs200761715, ClinGen allele CA2918272.

ClinVar aggregate classification (germline): Benign. Review status: reviewed by expert panel (3 of 4 stars). 10 submissions from 10 submitters: Benign (1). 9 of the submissions do not count toward it. Last evaluated 2025-01-09.

Conditions:
Autosomal recessive limb-girdle muscular dystrophy. Identifiers: Orphanet 102015, MedGen C2931907, MONDO:0015152.
Qualitative or quantitative defects of beta-sarcoglycan. Identifiers: Orphanet 207063, MedGen C2930900, MONDO:0016142.
Autosomal recessive limb-girdle muscular dystrophy type 2E (LGMDR4). Also called: MUSCULAR DYSTROPHY, LIMB-GIRDLE, AUTOSOMAL RECESSIVE 4. Identifiers: Orphanet 119, MedGen C1858593, MONDO:0011423, OMIM 604286. Disease mechanism: Affects gamma-sarcoglycan and also disrupts the integrity of the entire sarcoglycan complex..
Hypertrophic cardiomyopathy. Also called: HYPERTROPHIC MYOCARDIOPATHY. Identifiers: Orphanet 217569, MedGen C0007194, MeSH D002312, MONDO:0005045, HP:0001639.

Allele frequency attached by ClinVar (database versions not stated): ESP Exome Variant Server 0.00008; gnomAD 0.00012 and 0.00056; TOPMed 0.00022; gnomAD exomes 0.00107 and 0.00203; ExAC 0.00222; 1000 Genomes Project 30x 0.00406; 1000 Genomes Project 0.00439.
gnomAD v4.1: 1,648 of 1,614,084 alleles (0.1%); highest among the groups gnomAD compares: South Asian, 1.5%; 28 homozygotes.

Submissions (10):

ClinGen Limb Girdle Muscular Dystrophy Variant Curation Expert Panel, ClinGen
Classification: Benign for Autosomal recessive limb-girdle muscular dystrophy. Last evaluated: 2025-01-09. Review status: reviewed by expert panel. Criteria: ClinGen LGMD VCEP ACMG Specifications SGCB V1.0.0. Collection method: curation. Allele origin: germline. Inheritance: Autosomal recessive inheritance.
Comment: The NM_000232.5: c.799C>T variant in SGCB is a missense variant predicted to cause substitution of arginine by cysteine at amino acid 267 (p.Arg267Cys). The filtering allele frequency of this variant is 0.01396 in the South Asian population in gnomAD v2.1.1 (the lower threshold of the 95% CI of 462/30614 exome chromosomes), which is higher than the LGMD VCEP threshold (>0.002) for BA1 and therefore meets this criterion (BA1). The computational predictor REVEL gives a score of 0.75, which exceeds the threshold of ≥0.70, evidence that correlates with impact to SGCB function (PP3). In summary, this variant meets the criteria to be classified as Benign for autosomal recessive limb girdle muscular dystrophy. Although there are both pathogenic and benign types of evidence for this variant, the predictive pathogenic evidence is not considered inconsistent with the final classification. ACMG/AMP criteria applied, as specified by the ClinGen LGMD VCEP (LGMD VCEP specifications version 1.0.0; 01/09/2025): BA1, PP3.

Labcorp Genetics (formerly Invitae), Labcorp
Classification: Benign for Autosomal recessive limb-girdle muscular dystrophy type 2E. Last evaluated: 2026-02-04. Review status: criteria provided, single submitter. Criteria: Invitae Variant Classification Sherloc (09022015). Collection method: clinical testing. Allele origin: germline. Not counted in ClinVar's aggregate classification.

CeGaT Center for Human Genetics Tuebingen
Classification: Benign. Last evaluated: 2024-12-01. Review status: criteria provided, single submitter. Criteria: CeGaT Center For Human Genetics Tuebingen Variant Classification Criteria Version 2. Collection method: clinical testing. Allele origin: germline. Affected: yes. Observed: 1 variant allele. Not counted in ClinVar's aggregate classification.
Comment: SGCB: BS1, BS2

Genome-Nilou Lab
Classification: Likely benign for Autosomal recessive limb-girdle muscular dystrophy type 2E. Last evaluated: 2021-05-18. Review status: criteria provided, single submitter. Criteria: ACMG Guidelines, 2015. Collection method: clinical testing. Allele origin: germline. Affected: no. Not counted in ClinVar's aggregate classification.

Illumina Laboratory Services, Illumina
Classification: Benign for Qualitative or quantitative defects of beta-sarcoglycan. Last evaluated: 2018-01-12. Review status: criteria provided, single submitter. Criteria: ICSL Variant Classification Criteria 13 December 2019. Collection method: clinical testing. Allele origin: germline. Not counted in ClinVar's aggregate classification.
Comment: This variant was observed in the ICSL laboratory as part of a predisposition screen in an ostensibly healthy population. It had not been previously curated by ICSL or reported in the Human Gene Mutation Database (HGMD: prior to June 1st, 2018), and was therefore a candidate for classification through an automated scoring system. Utilizing variant allele frequency, disease prevalence and penetrance estimates, and inheritance mode, an automated score was calculated to assess if this variant is too frequent to cause the disease. Based on the score and internal cut-off values, a variant classified as benign is not then subjected to further curation. The score for this variant resulted in a classification of benign for this disease.

GeneDx
Classification: Benign. Last evaluated: 2017-12-19. Review status: criteria provided, single submitter. Criteria: GeneDx Variant Classification (06012015). Collection method: clinical testing. Allele origin: germline. Affected: yes. Not counted in ClinVar's aggregate classification.
Comment: This variant is considered likely benign or benign based on one or more of the following criteria: it is a conservative change, it occurs at a poorly conserved position in the protein, it is predicted to be benign by multiple in silico algorithms, and/or has population frequency not consistent with disease.

Center for Advanced Laboratory Medicine, UC San Diego Health, University of California San Diego
Classification: Likely benign for Hypertrophic cardiomyopathy. Last evaluated: 2017-07-06. Review status: criteria provided, single submitter. Criteria: ACMG Guidelines, 2015. Collection method: clinical testing. Allele origin: germline. Affected: yes. Observed: 1 variant allele. Not counted in ClinVar's aggregate classification.

Athena Diagnostics
Classification: Likely benign. Last evaluated: 2016-09-23. Review status: criteria provided, single submitter. Criteria: Athena Diagnostics Criteria. Collection method: clinical testing. Allele origin: germline. Not counted in ClinVar's aggregate classification.

Eurofins Ntd Llc (ga)
Classification: Benign. Last evaluated: 2015-09-01. Review status: criteria provided, single submitter. Criteria: EGL Classification Definitions 2015. Collection method: clinical testing. Allele origin: germline. Observed: 2 variant alleles, 2 heterozygotes. Not counted in ClinVar's aggregate classification.

Natera, Inc.
Classification: Benign for Limb-girdle muscular dystrophy type 2E. Last evaluated: 2020-01-13. Review status: no assertion criteria provided. Collection method: clinical testing. Allele origin: germline. Not counted in ClinVar's aggregate classification.